The following is an entry in ClinVar:

NM_000093.5(COL5A1):c.5371-42A>C

Genes: COL5A1 (collagen type V alpha 1 chain; plus strand), LOC101448202 (uncharacterized LOC101448202; minus strand). Cytogenetic location: 9q34.3.
Variant type: single nucleotide variant.
Coding change: c.5371-42A>C on transcript NM_000093.5 (MANE Select); 42 bases into the intron before coding-DNA position 5371, A replaced by C.
Molecular consequence: intron variant.
Genome position (GRCh38, 1-based): chr9:134,842,115, A>C. VCF-style: chr9-134842115-A-C. GRCh37 (hg19) VCF-style: chr9-137733961-A-C.
Other names: c.5371-42A>C (NM_001278074.1).
Identifiers: ClinVar variation 671047 (VCV000671047.2), dbSNP rs114101109, ClinGen allele CA5320724.

ClinVar aggregate classification (germline): Benign. Review status: criteria provided, multiple submitters, no conflicts (2 of 4 stars). 2 submissions from 2 submitters: Benign (2). Last evaluated 2018-06-14.

Allele frequency attached by ClinVar (database versions not stated): gnomAD exomes 0.02185 and 0.02830; ExAC 0.03178; 1000 Genomes Project 0.06609; 1000 Genomes Project 30x 0.07027; gnomAD 0.07151 and 0.07567; ESP Exome Variant Server 0.07673; TOPMed 0.07828.
gnomAD v4.1: 43,068 of 1,612,808 alleles (2.7%); highest among the groups gnomAD compares: African/African-American, 21%; 2,035 homozygotes.

Submissions (2):

GeneDx
Classification: Benign. Last evaluated: 2018-06-14. Review status: criteria provided, single submitter. Criteria: GeneDx Variant Classification (06012015). Collection method: clinical testing. Allele origin: germline. Affected: yes.
Comment: This variant is considered likely benign or benign based on one or more of the following criteria: it is a conservative change, it occurs at a poorly conserved position in the protein, it is predicted to be benign by multiple in silico algorithms, and/or has population frequency not consistent with disease.

Breakthrough Genomics
Classification: Benign. Review status: criteria provided, single submitter. Criteria: ACMG Guidelines, 2015. Collection method: not provided. Allele origin: germline. Inheritance: Autosomal dominant inheritance. Affected: yes.